The following is an entry in ClinVar:

NM_000360.4(TH):c.446G>T (p.Arg149Leu)

Gene: TH (tyrosine hydroxylase; minus strand). Cytogenetic location: 11p15.5.
Variant type: single nucleotide variant.
Coding change: c.446G>T on transcript NM_000360.4 (MANE Select); coding-DNA position 446, G replaced by T.
Protein change: p.Arg149Leu; replaces arginine 149 with leucine.
Molecular consequence: missense variant.
Genome position (GRCh38, 1-based): chr11:2,168,532, C>A on the plus strand (G>T on the coding strand, the complement: TH is on the minus strand). VCF-style: chr11-2168532-C-A. GRCh37 (hg19) VCF-style: chr11-2189762-C-A.
Other names: c.539G>T, p.Arg180Leu (NM_199292.3); c.527G>T, p.Arg176Leu (NM_199293.3); short protein forms R149L, R176L, R180L.
Identifiers: ClinVar variation 1313515 (VCV001313515.2), dbSNP rs1357867110, ClinGen allele CA379128891.
Genomic context (GRCh38, chr11:2,168,532, plus strand): 5'-GGACAGAAAACCGCCTCACCCTTGGGCCCCGCGGGGCTGCGCACGTCCTCTGACACCTGG[C>A]GCACACCACTGAGCAGGGCGGCCAGGTCCCCTCGGCGCACCTCGAGGCGCACGAAGTACT-3'
Protein context (NP_000351.2, residues 139-159): GDLAALLSGV[Arg149Leu]QVSEDVRSPA

ClinVar aggregate classification (germline): Uncertain significance (1 of 4 stars; one submission).

Allele frequency attached by ClinVar (database versions not stated): gnomAD 0.00001.
gnomAD v4.1: 6 of 1,612,138 alleles (0.00037%); highest among the groups gnomAD compares: Non-Finnish European, 0.00051%; no homozygotes.

Submission:

GeneDx
Classification: Uncertain significance. Last evaluated: 2020-10-20. Review status: criteria provided, single submitter. Criteria: GeneDx Variant Classification Process June 2021. Collection method: clinical testing. Allele origin: germline. Affected: yes.
Comment: Not observed at a significant frequency in large population cohorts (Lek et al., 2016); In silico analysis supports that this missense variant has a deleterious effect on protein structure/function; Has not been previously published as pathogenic or benign to our knowledge